The following is an entry in ClinVar:

ClinVar aggregate classification (germline): Uncertain significance (1 of 4 stars; one submission).

Conditions:
Dyskeratosis congenita, autosomal dominant 6 (DKCA6). Identifiers: Orphanet 3322, MedGen C4225284, MONDO:0014690, OMIM 616553.

Submission:

Labcorp Genetics (formerly Invitae), Labcorp
Classification: Uncertain significance for Dyskeratosis congenita, autosomal dominant 6. Last evaluated: 2022-09-01. Review status: criteria provided, single submitter. Criteria: Invitae Variant Classification Sherloc (09022015). Collection method: clinical testing. Allele origin: germline.
Comment: In summary, the available evidence is currently insufficient to determine the role of this variant in disease. Therefore, it has been classified as a Variant of Uncertain Significance. This sequence change creates a premature translational stop signal (p.Gln482*) in the ACD gene. It is expected to result in an absent or disrupted protein product. However, the current clinical and genetic evidence is not sufficient to establish whether loss-of-function variants in ACD cause disease. This variant is not present in population databases (gnomAD no frequency). This variant has not been reported in the literature in individuals affected with ACD-related conditions. ClinVar contains an entry for this variant (Variation ID: 1040312).

NM_001082486.2(ACD):c.1186C>T (p.Gln396Ter)

Gene: ACD (ACD shelterin complex subunit and telomerase recruitment factor; minus strand). Cytogenetic location: 16q22.1.
Variant type: single nucleotide variant.
Coding change: c.1186C>T on transcript NM_001082486.2 (MANE Select); coding-DNA position 1186, C replaced by T.
Protein change: p.Gln396Ter; replaces glutamine 396 with a stop codon.
Molecular consequence: nonsense.
Genome position (GRCh38, 1-based): chr16:67,658,006, G>A on the plus strand (C>T on the coding strand, the complement: ACD is on the minus strand). VCF-style: chr16-67658006-G-A. GRCh37 (hg19) VCF-style: chr16-67691909-G-A.
Other names: c.1177C>T, p.Gln393Ter (NM_022914.3); short protein forms Q396*, Q393*.
Identifiers: ClinVar variation 1040312 (VCV001040312.6), dbSNP rs2052908546, ClinGen allele CA396351618.